The following is an entry in ClinVar:

ClinVar aggregate classification (germline): Benign/Likely benign. Review status: criteria provided, multiple submitters, no conflicts (2 of 4 stars). 2 submissions from 2 submitters: Benign (1); Likely benign (1). Last evaluated 2025-08-01.

Submissions (2):

CeGaT Center for Human Genetics Tuebingen
Classification: Likely benign. Last evaluated: 2025-08-01. Review status: criteria provided, single submitter. Criteria: CeGaT Center For Human Genetics Tuebingen Variant Classification Criteria Version 2. Collection method: clinical testing. Allele origin: germline. Affected: yes. Observed: 1 variant allele.
Comment: NSD2: BP4, BS2

Labcorp Genetics (formerly Invitae), Labcorp
Classification: Benign. Last evaluated: 2024-10-24. Review status: criteria provided, single submitter. Criteria: Invitae Variant Classification Sherloc (09022015). Collection method: clinical testing. Allele origin: germline.

NM_001042424.3(NSD2):c.1675-7dup

Gene: NSD2 (nuclear receptor binding SET domain protein 2; plus strand). Cytogenetic location: 4p16.3.
Variant type: Duplication.
Coding change: c.1675-7dup on transcript NM_001042424.3 (MANE Select); 7 bases into the intron before coding-DNA position 1675, one base duplicated (A; older notation c.1675-7dupA).
Molecular consequence: intron variant.
Genome position (GRCh38, 1-based): chr4:1,938,444, A duplicated; the last of 3 consecutive A bases (chr4:1,938,442-1,938,444); duplicating any one gives the same sequence. VCF-style (leftmost placement, unchanged base first): chr4-1938441-T-TA. GRCh37 (hg19) VCF-style: chr4-1940168-T-TA.
Other names: c.1675-7dup (NM_001440892.1, NM_001440894.1, NM_001440895.1 and 6 more transcripts); c.1774-7dup (NM_001440893.1); c.706-7dup (NM_001440900.1, NM_001440899.1); c.1674+3182dup (NM_001440897.1, NM_001440898.1).
Identifiers: ClinVar variation 1680179 (VCV001680179.16), dbSNP rs747548214, ClinGen allele CA2812196.
Genomic context (GRCh38, chr4:1,938,441, plus strand): 5'-TTTTTTCCTTTTTTTCTTTTCTTTTTTTTTTCTTTCTTTTTTTTTTTTTTTTTTTTTTTT[T>TA]AAATAATAGAGAGACACAATCACTGACAAAACGGCCAGAACAAGCTCTTACAAGGCCATG-3'